The following is an entry in ClinVar:

NM_021098.3(CACNA1H):c.923G>C (p.Arg308Pro)

Gene: CACNA1H (calcium voltage-gated channel subunit alpha1 H; plus strand). Cytogenetic location: 16p13.3.
Variant type: single nucleotide variant.
Coding change: c.923G>C on transcript NM_021098.3 (MANE Select); coding-DNA position 923, G replaced by C.
Protein change: p.Arg308Pro; replaces arginine 308 with proline.
Molecular consequence: missense variant.
Genome position (GRCh38, 1-based): chr16:1,200,375, G>C. VCF-style: chr16-1200375-G-C. GRCh37 (hg19) VCF-style: chr16-1250375-G-C.
Other names: c.923G>C, p.Arg308Pro (NM_001005407.2); short protein forms R308P.
Identifiers: ClinVar variation 3252735 (VCV003252735.1), dbSNP rs1332969846.

ClinVar aggregate classification (germline): Uncertain significance (1 of 4 stars; one submission).

gnomAD v4.1: 2 of 1,600,492 alleles (0.00012%); highest among the groups gnomAD compares: Non-Finnish European, 0.00017%; no homozygotes.

Submission:

GeneDx
Classification: Uncertain significance. Last evaluated: 2023-10-05. Review status: criteria provided, single submitter. Criteria: GeneDx Variant Classification Process June 2021. Collection method: clinical testing. Allele origin: germline. Affected: yes.
Comment: Not observed at significant frequency in large population cohorts (gnomAD); In silico analysis supports that this missense variant has a deleterious effect on protein structure/function; Has not been previously published as pathogenic or benign to our knowledge